The following is an entry in ClinVar:

ClinVar aggregate classification (germline): Likely benign. Review status: criteria provided, multiple submitters, no conflicts (2 of 4 stars). 3 submissions from 3 submitters: Likely benign (3). Last evaluated 2026-07-19.

Conditions:
LRP2-related disorder. Also called: LRP2-related condition.

Allele frequency attached by ClinVar (database versions not stated): gnomAD exomes below 0.00001; TOPMed below 0.00001; ExAC 0.00001.
gnomAD v4.1: 3 of 1,613,974 alleles (0.00019%); highest among the groups gnomAD compares: Admixed American, 0.0033%; no homozygotes.

Submissions (3):

PreventionGenetics, part of Exact Sciences
Classification: Likely benign for LRP2-related condition. Last evaluated: 2026-07-19. Review status: criteria provided, single submitter. Criteria: ACMG Guidelines, 2015. Collection method: clinical testing. Allele origin: germline.
Comment: This variant is classified as likely benign based on ACMG/AMP sequence variant interpretation guidelines (Richards et al. 2015 PMID: 25741868, with internal and published modifications).

Labcorp Genetics (formerly Invitae), Labcorp
Classification: Likely benign. Last evaluated: 2023-09-13. Review status: criteria provided, single submitter. Criteria: Invitae Variant Classification Sherloc (09022015). Collection method: clinical testing. Allele origin: germline.

Blueprint Genetics
Classification: Likely benign. Last evaluated: 2022-07-14. Review status: criteria provided, single submitter. Criteria: ACMG Guidelines, 2015. Collection method: clinical testing. Allele origin: germline.

NM_004525.3(LRP2):c.1611G>A (p.Lys537=)

Gene: LRP2 (LDL receptor related protein 2; minus strand). Cytogenetic location: 2q31.1.
Variant type: single nucleotide variant.
Coding change: c.1611G>A on transcript NM_004525.3 (MANE Select); coding-DNA position 1611, G replaced by A.
Protein change: p.Lys537=; no amino-acid change (lysine 537 retained).
Molecular consequence: synonymous variant.
Genome position (GRCh38, 1-based): chr2:169,277,906, C>T on the plus strand (G>A on the coding strand, the complement: LRP2 is on the minus strand). VCF-style: chr2-169277906-C-T. GRCh37 (hg19) VCF-style: chr2-170134416-C-T.
Other names: c.1611G>A (NM_004525.2).
Identifiers: ClinVar variation 2785170 (VCV002785170.5), dbSNP rs751585914, ClinGen allele CA1955510.